The following is an entry in ClinVar:

ClinVar aggregate classification (germline): Uncertain significance. Review status: criteria provided, multiple submitters, no conflicts (2 of 4 stars). 3 submissions from 3 submitters: Uncertain significance (3). Last evaluated 2025-09-15.

Conditions:
Beta-D-mannosidosis (MANSB). Also called: MANNOSIDOSIS, BETA A, LYSOSOMAL; BETA-MANNOSIDASE DEFICIENCY; LYSOSOMAL BETA-MANNOSIDASE DEFICIENCY; Beta-Mannosidosis. Identifiers: Orphanet 118, MedGen C4048196, MONDO:0009562, OMIM 248510.
Inborn genetic diseases. Identifiers: MedGen C0950123, MeSH D030342.

Allele frequency attached by ClinVar (database versions not stated): ExAC 0.00004; gnomAD 0.00004; gnomAD exomes 0.00004; TOPMed 0.00006.
gnomAD v4.1: 67 of 1,603,400 alleles (0.0042%); highest among the groups gnomAD compares: Middle Eastern, 0.033%; no homozygotes.

Submissions (3):

Labcorp Genetics (formerly Invitae), Labcorp
Classification: Uncertain significance for Beta-D-mannosidosis. Last evaluated: 2025-09-15. Review status: criteria provided, single submitter. Criteria: Invitae Variant Classification Sherloc (09022015). Collection method: clinical testing. Allele origin: germline.
Comment: This sequence change replaces glutamine, which is neutral and polar, with histidine, which is basic and polar, at codon 377 of the MANBA protein (p.Gln377His). This variant is present in population databases (rs762175890, gnomAD 0.006%). This variant has not been reported in the literature in individuals affected with MANBA-related conditions. ClinVar contains an entry for this variant (Variation ID: 1411544). Invitae Evidence Modeling of protein sequence and biophysical properties (such as structural, functional, and spatial information, amino acid conservation, physicochemical variation, residue mobility, and thermodynamic stability) indicates that this missense variant is not expected to disrupt MANBA protein function with a negative predictive value of 80%. In summary, the available evidence is currently insufficient to determine the role of this variant in disease. Therefore, it has been classified as a Variant of Uncertain Significance.

Ambry Genetics
Classification: Uncertain significance for Inborn genetic diseases. Last evaluated: 2024-06-10. Review status: criteria provided, single submitter. Criteria: Ambry Variant Classification Scheme 2023. Collection method: clinical testing. Allele origin: germline.

Fulgent Genetics
Classification: Uncertain significance for Beta-D-mannosidosis. Last evaluated: 2021-07-25. Review status: criteria provided, single submitter. Criteria: ACMG Guidelines, 2015. Collection method: clinical testing. Allele origin: unknown.

NM_005908.4(MANBA):c.1131G>C (p.Gln377His)

Gene: MANBA (mannosidase beta; minus strand). Cytogenetic location: 4q24.
Variant type: single nucleotide variant.
Coding change: c.1131G>C on transcript NM_005908.4 (MANE Select); coding-DNA position 1131, G replaced by C.
Protein change: p.Gln377His; replaces glutamine 377 with histidine.
Molecular consequence: missense variant.
Genome position (GRCh38, 1-based): chr4:102,671,380, C>G on the plus strand (G>C on the coding strand, the complement: MANBA is on the minus strand). VCF-style: chr4-102671380-C-G. GRCh37 (hg19) VCF-style: chr4-103592537-C-G.
Other names: c.1131G>C (NM_005908.3); short protein forms Q377H.
Identifiers: ClinVar variation 1411544 (VCV001411544.7), dbSNP rs762175890, ClinGen allele CA3026996.
Genomic context (GRCh38, chr4:102,671,380, plus strand): 5'-CTGCTCATAAATTCCTCCTCCCCAAACCCGAAGAGTATTCATATTAGCATCCACAACAGA[C>G]TGTAAAAGGAGCCGTAACCTGTAGAAGACATTTTAGAAACAAATCATAATTTGGAAAAAA-3'
Protein context (NP_005899.3, residues 367-387): VTSELLRLLL[Gln377His]SVVDANMNTL